The following is an entry in ClinVar:

ClinVar aggregate classification (germline): Uncertain significance (1 of 4 stars; one submission).

Conditions:
Hyperekplexia 3 (HKPX3). Also called: HYPEREKPLEXIA 3, AUTOSOMAL RECESSIVE; HYPEREKPLEXIA 3, AUTOSOMAL DOMINANT. Identifiers: Orphanet 3197, MedGen C3553288, MONDO:0013827, OMIM 614618.

gnomAD v4.1: 1 of 1,585,270 alleles (0.000063%); highest among the groups gnomAD compares: East Asian, 0.0023%; no homozygotes.

Submission:

Labcorp Genetics (formerly Invitae), Labcorp
Classification: Uncertain significance for Hyperekplexia 3. Last evaluated: 2021-09-05. Review status: criteria provided, single submitter. Criteria: Invitae Variant Classification Sherloc (09022015). Collection method: clinical testing. Allele origin: germline.
Comment: This variant has not been reported in the literature in individuals affected with SLC6A5-related conditions. This variant is not present in population databases (ExAC no frequency). This sequence change replaces proline with threonine at codon 26 of the SLC6A5 protein (p.Pro26Thr). The proline residue is weakly conserved and there is a small physicochemical difference between proline and threonine. Advanced modeling of protein sequence and biophysical properties (such as structural, functional, and spatial information, amino acid conservation, physicochemical variation, residue mobility, and thermodynamic stability) performed at Invitae indicates that this missense variant is not expected to disrupt SLC6A5 protein function. In summary, the available evidence is currently insufficient to determine the role of this variant in disease. Therefore, it has been classified as a Variant of Uncertain Significance.

NM_004211.5(SLC6A5):c.76C>A (p.Pro26Thr)

Gene: SLC6A5 (solute carrier family 6 member 5; plus strand). Cytogenetic location: 11p15.1.
Variant type: single nucleotide variant.
Coding change: c.76C>A on transcript NM_004211.5 (MANE Select); coding-DNA position 76, C replaced by A.
Protein change: p.Pro26Thr; replaces proline 26 with threonine.
Molecular consequence: missense variant. On other transcripts: 5 prime UTR variant (1).
Genome position (GRCh38, 1-based): chr11:20,601,201, C>A. VCF-style: chr11-20601201-C-A. GRCh37 (hg19) VCF-style: chr11-20622747-C-A.
Other names: c.-488C>A (NM_001318369.2); short protein forms P26T.
Identifiers: ClinVar variation 1520553 (VCV001520553.6), dbSNP rs749057466, ClinGen allele CA379910736.
Genomic context (GRCh38, chr11:20,601,201, plus strand): 5'-CCCAAGGAAATGAATAAACTGCCAGCCAACAGCCCGGAGGCGGCGGCGGCGCAGGGCCAC[C>A]CGGATGGCCCATGCGCTCCCAGGACGAGCCCGGAGCAGGAGCTTCCCGCGGCTGCCGCCC-3'
Protein context (NP_004202.4, residues 16-36): SPEAAAAQGH[Pro26Thr]DGPCAPRTSP